The following is an entry in ClinVar:

ClinVar aggregate classification (germline): Conflicting classifications of pathogenicity. Review status: criteria provided, conflicting classifications (1 of 4 stars). 3 submissions from 3 submitters: Uncertain significance (1); Likely benign (2). Last evaluated 2025-10-27.

Conditions:
Imerslund-Grasbeck syndrome. Also called: PERNICIOUS ANEMIA, JUVENILE, DUE TO SELECTIVE INTESTINAL MALABSORPTION OF VITAMIN B12, WITH PROTEINURIA; Megaloblastic anemia due to inborn errors of metabolism; Imerslund-Gräsbeck syndrome; ENTEROCYTE COBALAMIN MALABSORPTION; ENTEROCYTE INTRINSIC FACTOR RECEPTOR, DEFECT OF. Identifiers: Orphanet 35858, MedGen C4551825, MONDO:0009853.

Allele frequency attached by ClinVar (database versions not stated): ExAC 0.00003; gnomAD exomes 0.00004; TOPMed 0.00011.
gnomAD v4.1: 65 of 1,613,998 alleles (0.004%); highest among the groups gnomAD compares: Middle Eastern, 0.066%; 1 homozygote.

Submissions (3):

Labcorp Genetics (formerly Invitae), Labcorp
Classification: Likely benign for Imerslund-Grasbeck syndrome. Last evaluated: 2025-10-27. Review status: criteria provided, single submitter. Criteria: Invitae Variant Classification Sherloc (09022015). Collection method: clinical testing. Allele origin: germline.

CeGaT Center for Human Genetics Tuebingen
Classification: Uncertain significance. Last evaluated: 2025-09-01. Review status: criteria provided, single submitter. Criteria: CeGaT Center For Human Genetics Tuebingen Variant Classification Criteria Version 2. Collection method: clinical testing. Allele origin: germline. Affected: yes. Observed: 1 variant allele.
Comment: CUBN: PM2:Supporting, BP4

Blueprint Genetics
Classification: Likely benign. Last evaluated: 2024-11-08. Review status: criteria provided, single submitter. Criteria: ACMG Guidelines, 2015. Collection method: clinical testing. Allele origin: germline.

NM_001081.4(CUBN):c.4350+8G>A

Gene: CUBN (cubilin; minus strand). Cytogenetic location: 10p13.
Variant type: single nucleotide variant.
Coding change: c.4350+8G>A on transcript NM_001081.4 (MANE Select); 8 bases into the intron after coding-DNA position 4350, G replaced by A.
Molecular consequence: intron variant.
Genome position (GRCh38, 1-based): chr10:16,990,326, C>T on the plus strand (G>A on the coding strand, the complement: CUBN is on the minus strand). VCF-style: chr10-16990326-C-T. GRCh37 (hg19) VCF-style: chr10-17032325-C-T.
Identifiers: ClinVar variation 2152162 (VCV002152162.12), dbSNP rs748407052, ClinGen allele CA5424417.
Genomic context (GRCh38, chr10:16,990,326, plus strand): 5'-TTGGCAGAGTGATTTCCTGTTCTACCCCAAACTTTGGAATGTGCTGAAAAAACCATCTCA[C>T]TTCCTACCTCCAAGACATCAAAGTTGCACCTTGAATGATACTCCACATCGAAGTCATGGA-3'